The following is an entry in ClinVar:

ClinVar aggregate classification (germline): Pathogenic (1 of 4 stars; one submission).

Conditions:
Glycogen storage disease type III (GSD3). Also called: Cori disease; FORBES DISEASE. Identifiers: Orphanet 366, MedGen C0017922, MONDO:0009291, OMIM 232400.

Submission:

Labcorp Genetics (formerly Invitae), Labcorp
Classification: Pathogenic for Glycogen storage disease type III. Last evaluated: 2023-02-20. Review status: criteria provided, single submitter. Criteria: Invitae Variant Classification Sherloc (09022015). Collection method: clinical testing. Allele origin: germline.
Comment: This sequence change creates a premature translational stop signal (p.Trp1157*) in the AGL gene. It is expected to result in an absent or disrupted protein product. Loss-of-function variants in AGL are known to be pathogenic (PMID: 19299494). This variant is not present in population databases (gnomAD no frequency). This variant has not been reported in the literature in individuals affected with AGL-related conditions. For these reasons, this variant has been classified as Pathogenic.

Literature cited by the submitters: PubMed 19299494.

NM_000642.3(AGL):c.3470G>A (p.Trp1157Ter)

Gene: AGL (amylo-alpha-1,6-glucosidase and 4-alpha-glucanotransferase; plus strand). Cytogenetic location: 1p21.2.
Variant type: single nucleotide variant.
Coding change: c.3470G>A on transcript NM_000642.3 (MANE Select); coding-DNA position 3470, G replaced by A.
Protein change: p.Trp1157Ter; replaces tryptophan 1157 with a stop codon.
Molecular consequence: nonsense.
Genome position (GRCh38, 1-based): chr1:99,900,743, G>A. VCF-style: chr1-99900743-G-A. GRCh37 (hg19) VCF-style: chr1-100366299-G-A.
Other names: c.3470G>A, p.Trp1157Ter (NM_000028.3, NM_000643.3, NM_000644.3 and 1 more transcripts); c.3422G>A, p.Trp1141Ter (NM_000646.3); c.3449G>A, p.Trp1150Ter (NM_001425326.1); c.3131G>A, p.Trp1044Ter (NM_001425329.1); c.3092G>A, p.Trp1031Ter (NM_001425332.1); c.3269G>A, p.Trp1090Ter (NM_001425327.1); c.3266G>A, p.Trp1089Ter (NM_001425328.1); short protein forms W1031*, W1044*, W1157*, W1089*, W1090*, W1141*, W1150*.
Identifiers: ClinVar variation 2839078 (VCV002839078.3), dbSNP rs2523715511, ClinGen allele CA341331571.
Genomic context (GRCh38, chr1:99,900,743, plus strand): 5'-CTAATCTACTGGGTGAAGGAATTTATGCCAGATACAATTGTCGGGATGCTGTGTGGTGGT[G>A]GCTGCAGTGTATCCAGGATTACTGTAAAATGGTTCCAAATGGTCTAGACATTCTCAAGTG-3'